The following is an entry in ClinVar:

NM_001360.3(DHCR7):c.626+1G>T

Gene: DHCR7 (7-dehydrocholesterol reductase; minus strand). Cytogenetic location: 11q13.4.
Variant type: single nucleotide variant.
Coding change: c.626+1G>T on transcript NM_001360.3 (MANE Select); the canonical splice donor site of the intron after coding-DNA position 626, G replaced by T.
Molecular consequence: splice donor variant.
Genome position (GRCh38, 1-based): chr11:71,441,226, C>A on the plus strand (G>T on the coding strand, the complement: DHCR7 is on the minus strand). VCF-style: chr11-71441226-C-A. GRCh37 (hg19) VCF-style: chr11-71152272-C-A.
Other names: c.626+1G>T (NM_001163817.2).
Identifiers: ClinVar variation 557305 (VCV000557305.5), dbSNP rs1471145742, ClinGen allele CA381694276.

ClinVar aggregate classification (germline): Likely pathogenic. Review status: criteria provided, multiple submitters, no conflicts (2 of 4 stars). 4 submissions from 4 submitters: Likely pathogenic (3). 1 of the submissions does not count toward it. Last evaluated 2024-10-10.

Conditions:
DHCR7-related disorder. Also called: DHCR7-related condition.
Smith-Lemli-Opitz syndrome (SLOS). Also called: POLYDACTYLY, SEX REVERSAL, RENAL HYPOPLASIA, AND UNILOBAR LUNG; RSH SYNDROME; RUTLEDGE LETHAL MULTIPLE CONGENITAL ANOMALY SYNDROME; 7-Dehydrocholesterol reductase deficiency; LETHAL ACRODYSGENITAL SYNDROME. Identifiers: Orphanet 818, MedGen C0175694, MONDO:0010035, OMIM 270400.

Allele frequency attached by ClinVar (database versions not stated): TOPMed below 0.00001; gnomAD 0.00001.
gnomAD v4.1: 1 of 1,614,012 alleles (0.000062%); highest among the groups gnomAD compares: Non-Finnish European, 0.000085%; no homozygotes.

Submissions (4):

Natera, Inc.
Classification: Likely pathogenic for Smith-Lemli-Opitz syndrome. Last evaluated: 2024-10-10. Review status: criteria provided, single submitter. Criteria: Natera Variant Classification Schema (03/2026). Collection method: clinical testing. Allele origin: germline.
Comment: The c.626+1G>T variant in DHCR7 is a canonical splice donor site variant predicted to affect pre-mRNA splicing, which may result in an abnormal transcript and altered protein product. This variant is expected to result in nonsense mediated decay, truncation, or a dysfunctional protein product. This variant is rare in the general population with a frequency below the threshold expected for the associated phenotype(s). Given the available evidence, this variant is classified as Likely Pathogenic.

Blueprint Genetics
Classification: Likely pathogenic for DHCR7-related disorders. Last evaluated: 2024-10-07. Review status: criteria provided, single submitter. Criteria: ACMG Guidelines, 2015. Collection method: clinical testing. Allele origin: germline. Affected: yes. Observed: 3 variant alleles.

Fulgent Genetics
Classification: Likely pathogenic for Smith-Lemli-Opitz syndrome. Last evaluated: 2024-05-04. Review status: criteria provided, single submitter. Criteria: ACMG Guidelines, 2015. Collection method: clinical testing. Allele origin: germline.

Counsyl
Classification: Likely pathogenic for Smith-Lemli-Opitz syndrome. Last evaluated: 2018-03-21. Review status: no assertion criteria provided. Collection method: clinical testing. Allele origin: unknown. Not counted in ClinVar's aggregate classification.